The following is an entry in ClinVar:

ClinVar aggregate classification (germline): Benign. Review status: reviewed by expert panel (3 of 4 stars). 10 submissions from 10 submitters: Benign (1). 9 of the submissions do not count toward it. Last evaluated 2015-08-10.

Conditions:
Hereditary breast ovarian cancer syndrome. Also called: Hereditary breast and ovarian cancer syndrome; Hereditary breast and ovarian cancer; Hereditary breast and ovarian cancer syndrome (HBOC); Breast and ovarian cancer; Hereditary breast and/or ovarian cancer syndrome; BRCA1- and BRCA2-Associated Hereditary Breast and Ovarian Cancer. Identifiers: Orphanet 145, MedGen C0677776, MeSH D061325, MONDO:0003582. Disease mechanism: loss of function.
Breast-ovarian cancer, familial, susceptibility to, 2 (BROVCA2). Also called: BRCA2 Hereditary Breast and Ovarian Cancer. Identifiers: Orphanet 145, MedGen C2675520, MONDO:0012933, OMIM 612555. Disease mechanism: loss of function.
Hereditary cancer-predisposing syndrome. Also called: Neoplastic Syndromes, Hereditary; Tumor predisposition; Hereditary Cancer Syndrome; Hereditary neoplastic syndrome. Identifiers: Orphanet 140162, MedGen C0027672, MeSH D009386, MONDO:0015356.

Allele frequency attached by ClinVar (database versions not stated): TOPMed below 0.00001.

Submissions (10):

Evidence-based Network for the Interpretation of Germline Mutant Alleles (ENIGMA)
Classification: Benign for Breast-ovarian cancer, familial 2. Last evaluated: 2015-08-10. Review status: reviewed by expert panel. Criteria: ENIGMA BRCA1/2 Classification Criteria (2015). Collection method: curation. Allele origin: germline.
Comment: IARC class based on posterior probability from multifactorial likelihood analysis, thresholds for class as per Plon et al. 2008 (PMID: 18951446). Class 1 based on posterior probability = 0.0003

Color Diagnostics, LLC DBA Color Health
Classification: Uncertain significance for Hereditary cancer-predisposing syndrome. Last evaluated: 2025-07-05. Review status: criteria provided, single submitter. Criteria: ACMG Guidelines, 2015. Collection method: clinical testing. Allele origin: germline. Not counted in ClinVar's aggregate classification.
Comment: This missense variant replaces leucine with isoleucine at codon 452 of the BRCA2 protein. Computational prediction suggests that this variant may not impact protein structure and function. To our knowledge, functional studies have not been reported for this variant. This variant has been detected in a breast cancer case-control meta-analysis in 1/60466 cases and 0/53461 unaffected individuals (PMID: 33471991Leiden Open Variation Database DB-ID BRCA2_003665). This variant has not been identified in the general population by the Genome Aggregation Database (gnomAD). The available evidence is insufficient to determine the role of this variant in disease conclusively. Therefore, this variant is classified as a Variant of Uncertain Significance.

Labcorp Genetics (formerly Invitae), Labcorp
Classification: Likely benign for Hereditary breast ovarian cancer syndrome. Last evaluated: 2025-04-23. Review status: criteria provided, single submitter. Criteria: Invitae Variant Classification Sherloc (09022015). Collection method: clinical testing. Allele origin: germline. Not counted in ClinVar's aggregate classification.

GeneDx
Classification: Uncertain significance. Last evaluated: 2024-11-15. Review status: criteria provided, single submitter. Criteria: GeneDx Variant Classification Process June 2021. Collection method: clinical testing. Allele origin: germline. Affected: yes. Not counted in ClinVar's aggregate classification.
Comment: Not observed at significant frequency in large population cohorts (gnomAD); In silico analysis indicates that this missense variant does not alter protein structure/function; Also known as 1582C>A; This variant is associated with the following publications: (PMID: 32377563, 33471991, 29580235, 24489791, 29884841, 24212087, 11929857)

Ambry Genetics
Classification: Likely benign for Hereditary cancer-predisposing syndrome. Last evaluated: 2024-10-30. Review status: criteria provided, single submitter. Criteria: Ambry Variant Classification Scheme 2023. Collection method: clinical testing. Allele origin: germline. Not counted in ClinVar's aggregate classification.

All of Us Research Program, National Institutes of Health
Classification: Uncertain significance for Breast-ovarian cancer, familial, susceptibility to, 2. Last evaluated: 2023-06-26. Review status: criteria provided, single submitter. Criteria: ACMG Guidelines, 2015. Collection method: clinical testing. Allele origin: germline. Inheritance: Autosomal dominant inheritance. Observed: 2 variant alleles, 2 heterozygotes. Not counted in ClinVar's aggregate classification.
Comment: This missense variant replaces leucine with isoleucine at codon 452 of the BRCA2 protein. Computational prediction suggests that this variant may not impact protein structure and function (internally defined REVEL score threshold <= 0.5, PMID: 27666373). To our knowledge, functional studies have not been reported for this variant. This variant has been reported in an individual affected with breast cancer (PMID: 33471991; Leiden Open Variation Database DB-ID BRCA2_003665). This variant has not been identified in the general population by the Genome Aggregation Database (gnomAD). The available evidence is insufficient to determine the role of this variant in disease conclusively. Therefore, this variant is classified as a Variant of Uncertain Significance.

This study involves interpretation of variants in research participants for the purpose of population health screening. Participant phenotype was not available at the time of variant classification. Additional details can be found in publication PMID: 35346344, PMCID: PMC8962531

Women's Health and Genetics/Laboratory Corporation of America, LabCorp
Classification: Uncertain significance. Last evaluated: 2019-08-09. Review status: criteria provided, single submitter. Criteria: LabCorp Variant Classification Summary - May 2015. Collection method: clinical testing. Allele origin: germline. Not counted in ClinVar's aggregate classification.
Comment: Variant summary: BRCA2 c.1354C>A (p.Leu452Ile) results in a conservative amino acid change in the encoded protein sequence. Five of five in-silico tools predict a benign effect of the variant on protein function. The variant was absent in 247634 control chromosomes (gnomAD). The available data on variant occurrences in the general population are insufficient to allow any conclusion about variant significance. To our knowledge, no occurrence of c.1354C>A in individuals affected with Hereditary Breast and Ovarian Cancer and no experimental evidence demonstrating its impact on protein function have been reported. The variant has been predicted to be benign based on multifactorial likelihood analysis (Whiley_2014). Three submitters have provided clinical-significance assessments for this variant to ClinVar after 2014 without evidence for independent evaluation. Two classified as VUS while one classified as benign. Based on the evidence outlined above, the variant was classified as uncertain significance.

Research Molecular Genetics Laboratory, Women's College Hospital, University of Toronto
Classification: Uncertain significance. Last evaluated: 2014-01-31. Review status: no assertion criteria provided. Collection method: research. Allele origin: germline. Affected: yes. Study: The Canadian Open Genetics Repository (COGR). Not counted in ClinVar's aggregate classification.

Sharing Clinical Reports Project (SCRP)
Classification: Uncertain significance for Breast-ovarian cancer, familial 2. Last evaluated: 2010-11-18. Review status: no assertion criteria provided. Collection method: clinical testing. Allele origin: germline. Not counted in ClinVar's aggregate classification.

Breast Cancer Information Core (BIC) (BRCA2)
Classification: Uncertain significance for Breast-ovarian cancer, familial 2. Last evaluated: 2004-02-20. Review status: no assertion criteria provided. Collection method: clinical testing. Allele origin: germline. Affected: yes. Observed: 3 variant alleles. Not counted in ClinVar's aggregate classification.

Literature cited by the submitters: PubMed 24212087 (cited by Evidence-based Network for the Interpretation of Germline Mutant Alleles (ENIGMA)); PubMed 33471991 (cited by Color Diagnostics, LLC DBA Color Health and All of Us Research Program, National Institutes of Health); PubMed 11929857 (cited by Women's Health and Genetics/Laboratory Corporation of America, LabCorp); PubMed 24489791 (cited by Women's Health and Genetics/Laboratory Corporation of America, LabCorp); PubMed 29580235 (cited by Women's Health and Genetics/Laboratory Corporation of America, LabCorp).

NM_000059.4(BRCA2):c.1354C>A (p.Leu452Ile)

Gene: BRCA2 (BRCA2 DNA repair associated; plus strand). Cytogenetic location: 13q13.1.
Variant type: single nucleotide variant.
Coding change: c.1354C>A on transcript NM_000059.4 (MANE Select); coding-DNA position 1354, C replaced by A.
Protein change: p.Leu452Ile; replaces leucine 452 with isoleucine.
Molecular consequence: missense variant.
Genome position (GRCh38, 1-based): chr13:32,332,832, C>A. VCF-style: chr13-32332832-C-A. GRCh37 (hg19) VCF-style: chr13-32906969-C-A.
Other names: 1582C>A; short protein forms L452I.
Identifiers: ClinVar variation 51107 (VCV000051107.26), dbSNP rs80358424, ClinGen allele CA011720.